The following is an entry in ClinVar:

ClinVar aggregate classification (germline): Uncertain significance (1 of 4 stars; one submission).

Submission:

Labcorp Genetics (formerly Invitae), Labcorp
Classification: Uncertain significance. Last evaluated: 2024-03-04. Review status: criteria provided, single submitter. Criteria: Invitae Variant Classification Sherloc (09022015). Collection method: clinical testing. Allele origin: germline.
Comment: This sequence change replaces leucine, which is neutral and non-polar, with arginine, which is basic and polar, at codon 244 of the UBA5 protein (p.Leu244Arg). This variant is not present in population databases (gnomAD no frequency). This variant has not been reported in the literature in individuals affected with UBA5-related conditions. ClinVar contains an entry for this variant (Variation ID: 1512663). Advanced modeling of protein sequence and biophysical properties (such as structural, functional, and spatial information, amino acid conservation, physicochemical variation, residue mobility, and thermodynamic stability) performed at Invitae indicates that this missense variant is expected to disrupt UBA5 protein function with a positive predictive value of 80%. In summary, the available evidence is currently insufficient to determine the role of this variant in disease. Therefore, it has been classified as a Variant of Uncertain Significance.

NM_024818.6(UBA5):c.731T>G (p.Leu244Arg)

Genes: NPHP3-ACAD11 (NPHP3-ACAD11 readthrough (NMD candidate); minus strand), UBA5 (ubiquitin like modifier activating enzyme 5; plus strand). Cytogenetic location: 3q22.1.
Variant type: single nucleotide variant.
Coding change: c.731T>G on transcript NM_024818.6 (MANE Select); coding-DNA position 731, T replaced by G.
Protein change: p.Leu244Arg; replaces leucine 244 with arginine.
Molecular consequence: missense variant.
Genome position (GRCh38, 1-based): chr3:132,672,096, T>G. VCF-style: chr3-132672096-T-G. GRCh37 (hg19) VCF-style: chr3-132390940-T-G.
Other names: c.563T>G, p.Leu188Arg (NM_001320210.2, NM_198329.4); c.461T>G, p.Leu154Arg (NM_001321238.2); c.395T>G, p.Leu132Arg (NM_001321239.1); short protein forms L188R, L132R, L244R, L154R.
Identifiers: ClinVar variation 1512663 (VCV001512663.8), dbSNP rs2107943636, ClinGen allele CA354574625.